The following is an entry in ClinVar:

NC_000002.11:g.(?_86441116)_(86509365_?)dup

Genes: REEP1 (receptor accessory protein 1; minus strand), LOC129934249 (ATAC-STARR-seq lymphoblastoid silent region 11711; plus strand), LOC112841602 (Sharpr-MPRA regulatory region 10968; plus strand), LOC122787147 (Sharpr-MPRA regulatory region 10790; plus strand). Cytogenetic location: 2p11.2.
Variant type: Duplication.
Identifiers: ClinVar variation 417564 (VCV000417564.1).

ClinVar aggregate classification (germline): Uncertain significance (1 of 4 stars; one submission).

Conditions:
Hereditary spastic paraplegia 31. Also called: SPASTIC PARAPLEGIA 31, AUTOSOMAL DOMINANT. Identifiers: Orphanet 101011, MedGen C1853247, MONDO:0012453, OMIM 610250.

Submission:

Labcorp Genetics (formerly Invitae), Labcorp
Classification: Uncertain significance for Hereditary spastic paraplegia 31. Last evaluated: 2016-12-19. Review status: criteria provided, single submitter. Criteria: Invitae Variant Classification Sherloc (09022015). Collection method: clinical testing. Allele origin: germline.
Comment: This variant is a gross duplication of the genomic region encompassing exons 2-7 of the REEP1 gene. The 5' boundary is likely confined to intron 1. The 3' end of this event is unknown as it extends beyond the assayed region for this gene and therefore may encompass additional genes. This variant has been reported in the literature in a family affected with hereditary spastic paraplegia (PMID: 18321925). Experimental studies and prediction algorithms are not available for this variant, and the functional significance of the duplicated exons is currently unknown. In summary, the exact genomic location of this variant is unknown and the impact of this duplication on REEP1 protein function has not been established. Therefore, it has been classified as a Variant of Uncertain Significance.